The following is an entry in ClinVar:

ClinVar aggregate classification (germline): Uncertain significance. Review status: criteria provided, multiple submitters, no conflicts (2 of 4 stars). 2 submissions from 2 submitters: Uncertain significance (2). Last evaluated 2025-11-03.

Conditions:
Inborn genetic diseases. Identifiers: MedGen C0950123, MeSH D030342.
Progressive sclerosing poliodystrophy (MTDPS4A). Also called: Mitochondrial DNA Depletion Syndrome 4A; ALPERS PROGRESSIVE INFANTILE POLIODYSTROPHY; NEURONAL DEGENERATION OF CHILDHOOD WITH LIVER DISEASE, PROGRESSIVE; Alpers Syndrome; ALPERS DIFFUSE DEGENERATION OF CEREBRAL GRAY MATTER WITH HEPATIC CIRRHOSIS; Alpers-Huttenlocher Syndrome. Identifiers: Orphanet 726, MedGen C0205710, MONDO:0008758, OMIM 203700.

gnomAD v4.1: 1 of 1,613,494 alleles (0.000062%); highest among the groups gnomAD compares: Non-Finnish European, 0.000085%; no homozygotes.

Submissions (2):

Labcorp Genetics (formerly Invitae), Labcorp
Classification: Uncertain significance for Progressive sclerosing poliodystrophy. Last evaluated: 2025-11-03. Review status: criteria provided, single submitter. Criteria: Invitae Variant Classification Sherloc (09022015). Collection method: clinical testing. Allele origin: germline.
Comment: This sequence change replaces glutamic acid, which is acidic and polar, with alanine, which is neutral and non-polar, at codon 693 of the POLG protein (p.Glu693Ala). This variant is not present in population databases (gnomAD no frequency). This variant has not been reported in the literature in individuals affected with POLG-related conditions. ClinVar contains an entry for this variant (Variation ID: 3308462). Invitae Evidence Modeling of protein sequence and biophysical properties (such as structural, functional, and spatial information, amino acid conservation, physicochemical variation, residue mobility, and thermodynamic stability) has been performed for this missense variant. However, the output from this modeling did not meet the statistical confidence thresholds required to predict the impact of this variant on POLG protein function. In summary, the available evidence is currently insufficient to determine the role of this variant in disease. Therefore, it has been classified as a Variant of Uncertain Significance.

Ambry Genetics
Classification: Uncertain significance for Inborn genetic diseases. Last evaluated: 2024-05-14. Review status: criteria provided, single submitter. Criteria: Ambry Variant Classification Scheme 2023. Collection method: clinical testing. Allele origin: germline.

NM_002693.3(POLG):c.2078A>C (p.Glu693Ala)

Gene: POLG (DNA polymerase gamma, catalytic subunit; minus strand). Cytogenetic location: 15q26.1.
Variant type: single nucleotide variant.
Coding change: c.2078A>C on transcript NM_002693.3 (MANE Select); coding-DNA position 2078, A replaced by C.
Protein change: p.Glu693Ala; replaces glutamic acid 693 with alanine.
Molecular consequence: missense variant.
Genome position (GRCh38, 1-based): chr15:89,323,894, T>G on the plus strand (A>C on the coding strand, the complement: POLG is on the minus strand). VCF-style: chr15-89323894-T-G. GRCh37 (hg19) VCF-style: chr15-89867125-T-G.
Other names: c.2078A>C, p.Glu693Ala (NM_001126131.2); short protein forms E693A.
Identifiers: ClinVar variation 3308462 (VCV003308462.2).